The following is an entry in ClinVar:

NM_000179.3(MSH6):c.1420G>C (p.Val474Leu)

Gene: MSH6 (mutS homolog 6; plus strand). Cytogenetic location: 2p16.3.
Variant type: single nucleotide variant.
Coding change: c.1420G>C on transcript NM_000179.3 (MANE Select); coding-DNA position 1420, G replaced by C.
Protein change: p.Val474Leu; replaces valine 474 with leucine.
Molecular consequence: missense variant.
Genome position (GRCh38, 1-based): chr2:47,799,403, G>C. VCF-style: chr2-47799403-G-C. GRCh37 (hg19) VCF-style: chr2-48026542-G-C.
Other names: c.1030G>C, p.Val344Leu (NM_001281492.2); c.514G>C, p.Val172Leu (NM_001281493.2, NM_001281494.2); short protein forms V474L, V344L, V172L.
Identifiers: ClinVar variation 629077 (VCV000629077.17), dbSNP rs1558661621, ClinGen allele CA346745384.

ClinVar aggregate classification (germline): Conflicting classifications of pathogenicity. Review status: criteria provided, conflicting classifications (1 of 4 stars). 5 submissions from 5 submitters: Uncertain significance (4); Likely benign (1). Last evaluated 2025-03-18.

Conditions:
Hereditary cancer. Identifiers: MedGen C1333600.
Hereditary cancer-predisposing syndrome. Also called: Tumor predisposition; Neoplastic Syndromes, Hereditary; Hereditary Cancer Syndrome; Hereditary neoplastic syndrome. Identifiers: Orphanet 140162, MedGen C0027672, MeSH D009386, MONDO:0015356.
Hereditary nonpolyposis colorectal neoplasms. Identifiers: MedGen C0009405, MeSH D003123.

Allele frequency attached by ClinVar (database versions not stated): TOPMed below 0.00001.
gnomAD v4.1: 4 of 1,614,112 alleles (0.00025%); highest among the groups gnomAD compares: Admixed American, 0.0033%; no homozygotes.

Submissions (5):

Labcorp Genetics (formerly Invitae), Labcorp
Classification: Uncertain significance for Hereditary nonpolyposis colorectal neoplasms. Last evaluated: 2025-03-18. Review status: criteria provided, single submitter. Criteria: Invitae Variant Classification Sherloc (09022015). Collection method: clinical testing. Allele origin: germline.
Comment: This sequence change replaces valine, which is neutral and non-polar, with leucine, which is neutral and non-polar, at codon 474 of the MSH6 protein (p.Val474Leu). This variant is not present in population databases (gnomAD no frequency). This variant has not been reported in the literature in individuals affected with MSH6-related conditions. ClinVar contains an entry for this variant (Variation ID: 629077). Invitae Evidence Modeling of protein sequence and biophysical properties (such as structural, functional, and spatial information, amino acid conservation, physicochemical variation, residue mobility, and thermodynamic stability) indicates that this missense variant is not expected to disrupt MSH6 protein function with a negative predictive value of 95%. In summary, the available evidence is currently insufficient to determine the role of this variant in disease. Therefore, it has been classified as a Variant of Uncertain Significance.

Ambry Genetics
Classification: Uncertain significance for Hereditary cancer-predisposing syndrome. Last evaluated: 2025-02-21. Review status: criteria provided, single submitter. Criteria: Ambry Variant Classification Scheme 2023. Collection method: clinical testing. Allele origin: germline.
Comment: The p.V474L variant (also known as c.1420G>C), located in coding exon 4 of the MSH6 gene, results from a G to C substitution at nucleotide position 1420. The valine at codon 474 is replaced by leucine, an amino acid with highly similar properties. In addition, this alteration is predicted to be deleterious by in silico analysis. Based on the available evidence, the clinical significance of this variant remains unclear.

Blueprint Genetics
Classification: Uncertain significance. Last evaluated: 2024-09-23. Review status: criteria provided, single submitter. Criteria: ACMG Guidelines, 2015. Collection method: clinical testing. Allele origin: germline.

Color Diagnostics, LLC DBA Color Health
Classification: Uncertain significance for Hereditary cancer-predisposing syndrome. Last evaluated: 2024-03-06. Review status: criteria provided, single submitter. Criteria: ACMG Guidelines, 2015. Collection method: clinical testing. Allele origin: germline.
Comment: This missense variant replaces valine with leucine at codon 474 of the MSH6 protein. Computational prediction suggests that this variant may have deleterious impact on protein structure and function (internally defined REVEL score threshold >= 0.7, PMID: 27666373). To our knowledge, functional studies have not been reported for this variant. This variant has been reported in an individual affected with prostate cancer (doi: 10.1101/2021.04.15.21255554). This variant has not been identified in the general population by the Genome Aggregation Database (gnomAD). The available evidence is insufficient to determine the role of this variant in disease conclusively. Therefore, this variant is classified as a Variant of Uncertain Significance.

Mendelics
Classification: Likely benign for Hereditary cancer. Last evaluated: 2024-01-23. Review status: criteria provided, single submitter. Criteria: ACMG Guidelines, 2015. Collection method: clinical testing. Allele origin: unknown.

Literature cited by the submitters: PubMed 35534704 (cited by Ambry Genetics).